The following is an entry in ClinVar:

NM_182961.4(SYNE1):c.12056C>A (p.Ala4019Glu)

Gene: SYNE1 (spectrin repeat containing nuclear envelope protein 1; minus strand). Cytogenetic location: 6q25.2.
Variant type: single nucleotide variant.
Coding change: c.12056C>A on transcript NM_182961.4 (MANE Select); coding-DNA position 12056, C replaced by A.
Protein change: p.Ala4019Glu; replaces alanine 4019 with glutamic acid.
Molecular consequence: missense variant.
Genome position (GRCh38, 1-based): chr6:152,347,081, G>T on the plus strand (C>A on the coding strand, the complement: SYNE1 is on the minus strand). VCF-style: chr6-152347081-G-T. GRCh37 (hg19) VCF-style: chr6-152668216-G-T.
Other names: c.11843C>A, p.Ala3948Glu (NM_033071.5); short protein forms A4019E, A3948E.
Identifiers: ClinVar variation 355884 (VCV000355884.17), dbSNP rs756840607, ClinGen allele CA4056523.

ClinVar aggregate classification (germline): Conflicting classifications of pathogenicity. Review status: criteria provided, conflicting classifications (1 of 4 stars). 5 submissions from 4 submitters: Uncertain significance (4); Likely benign (1). Last evaluated 2025-08-08.

Conditions:
Autosomal recessive ataxia, Beauce type. Also called: SYNE1 Deficiency; SYNE1-Related Autosomal Recessive Cerebellar Ataxia; Spinocerebellar ataxia, autosomal recessive 8; ATAXIA, RECESSIVE, OF BEAUCE. Identifiers: Orphanet 88644, MedGen C1853116, MONDO:0012549, OMIM 610743.
Emery-Dreifuss muscular dystrophy 4, autosomal dominant (EDMD4). Also called: EMERY-DREIFUSS MUSCULAR DYSTROPHY 4 WITH VARIABLE FEATURES. Identifiers: Orphanet 261, MedGen C2751807, MONDO:0013071, OMIM 612998.

Allele frequency attached by ClinVar (database versions not stated): ExAC 0.00002.
gnomAD v4.1: 7 of 1,614,018 alleles (0.00043%); highest among the groups gnomAD compares: Non-Finnish European, 0.00051%; no homozygotes.

Submissions (5):

Revvity Omics, Revvity
Classification: Uncertain significance. Last evaluated: 2025-08-08. Review status: criteria provided, single submitter. Criteria: ACMG Guidelines, 2015. Collection method: clinical testing. Allele origin: germline.

Labcorp Genetics (formerly Invitae), Labcorp
Classification: Uncertain significance for Emery-Dreifuss muscular dystrophy 4, autosomal dominant; Autosomal recessive ataxia, Beauce type. Last evaluated: 2022-07-03. Review status: criteria provided, single submitter. Criteria: Invitae Variant Classification Sherloc (09022015). Collection method: clinical testing. Allele origin: germline.
Comment: In summary, the available evidence is currently insufficient to determine the role of this variant in disease. Therefore, it has been classified as a Variant of Uncertain Significance. Algorithms developed to predict the effect of missense changes on protein structure and function are either unavailable or do not agree on the potential impact of this missense change (SIFT: "Deleterious"; PolyPhen-2: "Benign"; Align-GVGD: "Class C65"). ClinVar contains an entry for this variant (Variation ID: 355884). This variant has not been reported in the literature in individuals affected with SYNE1-related conditions. This variant is present in population databases (rs756840607, gnomAD 0.005%). This sequence change replaces alanine, which is neutral and non-polar, with glutamic acid, which is acidic and polar, at codon 3948 of the SYNE1 protein (p.Ala3948Glu).

Eurofins Ntd Llc (ga)
Classification: Uncertain significance. Last evaluated: 2018-06-26. Review status: criteria provided, single submitter. Criteria: EGL ClinVar v180209 classification definitions. Collection method: clinical testing. Allele origin: germline. Observed: 1 variant allele, 1 heterozygote.

Illumina Laboratory Services, Illumina
Classification: Uncertain significance for Autosomal recessive ataxia, Beauce type. Last evaluated: 2018-01-13. Review status: criteria provided, single submitter. Criteria: ICSL Variant Classification Criteria 13 December 2019. Collection method: clinical testing. Allele origin: germline.

Illumina Laboratory Services, Illumina
Classification: Likely benign for Emery-Dreifuss muscular dystrophy 4, autosomal dominant. Last evaluated: 2018-01-13. Review status: criteria provided, single submitter. Criteria: ICSL Variant Classification Criteria 13 December 2019. Collection method: clinical testing. Allele origin: germline.
Comment: This variant was observed in the ICSL laboratory as part of a predisposition screen in an ostensibly healthy population. It had not been previously curated by ICSL or reported in the Human Gene Mutation Database (HGMD: prior to June 1st, 2018), and was therefore a candidate for classification through an automated scoring system. Utilizing variant allele frequency, disease prevalence and penetrance estimates, and inheritance mode, an automated score was calculated to assess if this variant is too frequent to cause the disease. Based on the score and internal cut-off values, a variant classified as likely benign is not then subjected to further curation. The score for this variant resulted in a classification of likely benign for this disease.